The following is an entry in ClinVar:

ClinVar aggregate classification (germline): Pathogenic (1 of 4 stars; one submission).

Conditions:
Congenital stationary night blindness 1C. Also called: Night blindness, congenital stationary (complete), 1C, autosomal recessive. Identifiers: Orphanet 215, MedGen C2750747, MONDO:0013183, OMIM 613216.

Submission:

Centre for Mendelian Genomics, University Medical Centre Ljubljana
Classification: Pathogenic for Congenital stationary night blindness 1C. Last evaluated: 2020-03-25. Review status: criteria provided, single submitter. Criteria: ACMG Guidelines, 2015. Collection method: clinical testing. Allele origin: unknown. Affected: yes.
Comment: This variant was classified as: Pathogenic. The following ACMG criteria were applied in classifying this variant: PVS1,PM2.

NM_001252024.2(TRPM1):c.4793_4796dup (p.Ser1600fs)

Gene: TRPM1 (transient receptor potential cation channel subfamily M member 1; minus strand). Cytogenetic location: 15q13.3.
Variant type: Duplication.
Coding change: c.4793_4796dup on transcript NM_001252024.2 (MANE Select); coding-DNA positions 4793 to 4796, 4 bases duplicated (TAAG; older notation c.4793_4796dupTAAG).
Protein change: p.Ser1600fs; shifts the reading frame from serine 1600.
Molecular consequence: frameshift variant.
Genome position (GRCh38, 1-based): chr15:31,001,904-31,001,907, CTTA duplicated on the plus strand (TAAG on the coding strand, the reverse complement: TRPM1 is on the minus strand); duplicating any 4 consecutive bases within chr15:31,001,904-31,001,908 gives the same sequence; the c. name uses the placement nearest the transcript's 3' end. VCF-style (leftmost placement, unchanged base first): chr15-31001903-G-GCTTA. GRCh37 (hg19) VCF-style: chr15-31294106-G-GCTTA.
Other names: c.4844_4847dup, p.Ser1617fs (NM_001252020.2); c.4727_4730dup, p.Ser1578fs (NM_002420.6); c.4844_4847dupTAAG (NM_001252020.1); short protein forms S1617fs, S1578fs, S1600fs.
Identifiers: ClinVar variation 931853 (VCV000931853.3), dbSNP rs2031777349, ClinGen allele CA1139663800.